The following is an entry in ClinVar:

NM_018489.3(ASH1L):c.8351A>G (p.Lys2784Arg)

Gene: ASH1L (ASH1 like histone lysine methyltransferase; minus strand). Cytogenetic location: 1q22.
Variant type: single nucleotide variant.
Coding change: c.8351A>G on transcript NM_018489.3 (MANE Select); coding-DNA position 8351, A replaced by G.
Protein change: p.Lys2784Arg; replaces lysine 2784 with arginine.
Molecular consequence: missense variant.
Genome position (GRCh38, 1-based): chr1:155,342,045, T>C on the plus strand (A>G on the coding strand, the complement: ASH1L is on the minus strand). VCF-style: chr1-155342045-T-C. GRCh37 (hg19) VCF-style: chr1-155311836-T-C.
Other names: c.8366A>G, p.Lys2789Arg (NM_001366177.2); short protein forms K2784R, K2789R.
Identifiers: ClinVar variation 3436035 (VCV003436035.1).

ClinVar aggregate classification (germline): Uncertain significance (1 of 4 stars; one submission).

Conditions:
Inborn genetic diseases. Identifiers: MedGen C0950123, MeSH D030342.

Submission:

Ambry Genetics
Classification: Uncertain significance for Inborn genetic diseases. Last evaluated: 2024-10-09. Review status: criteria provided, single submitter. Criteria: Ambry Variant Classification Scheme 2023. Collection method: clinical testing. Allele origin: germline.
Comment: The c.8351A>G (p.K2784R) alteration is located in exon 25 (coding exon 24) of the ASH1L gene. This alteration results from an A to G substitution at nucleotide position 8351, causing the lysine (K) at amino acid position 2784 to be replaced by an arginine (R). This variant was not reported in population-based cohorts in the Genome Aggregation Database (gnomAD). This nucleotide position is highly conserved in available vertebrate species. In silico splice site analysis predicts that this alteration will result in the creation or strengthening of a novel splice acceptor site. Based on insufficient or conflicting evidence, the clinical significance of this alteration remains unclear.